The following is an entry in ClinVar:

GRCh38/hg38 10q24.31-24.32(chr10:101120347-101831908)x3

Genes: BTRC (beta-transducin repeat containing E3 ubiquitin protein ligase; plus strand), DPCD (deleted in primary ciliary dyskinesia homolog (mouse); plus strand), FBXW4 (F-box and WD repeat domain containing 4; minus strand), FGF8 (fibroblast growth factor 8; minus strand), KCNIP2 (potassium voltage-gated channel interacting protein 2; minus strand) and 40 more. Cytogenetic location: 10q24.31-24.32.
Variant type: copy number gain.
Change: copy number 3 (three copies instead of two) of chr10:101,120,347-101,831,908 (711.6 kb, GRCh38 coordinates, 1-based), cytogenetic band 10q24.31-24.32.
Identifiers: ClinVar variation 59708 (VCV000059708.1).

ClinVar aggregate classification (germline): Pathogenic (1 of 4 stars; one submission).

Submission:

ISCA site 17
Classification: Pathogenic. Last evaluated: 2011-08-12. Review status: criteria provided, single submitter. Criteria: Kaminsky et al. (Genet Med. 2011). Collection method: clinical testing. Allele origin: paternal. Affected: yes. Observed: 1 variant allele.
Comment: Copy number variation identified through the course of routine clinical cytogenomic testing in postnatal populations. Clinical assertions have been curated as described in Kaminsky et al. 2011.